The following is an entry in ClinVar:

ClinVar aggregate classification (germline): Pathogenic (1 of 4 stars; one submission).

Conditions:
Nance-Horan syndrome (NHS). Identifiers: Orphanet 627, MedGen C0796085, MONDO:0010545, OMIM 302350.

Submission:

Labcorp Genetics (formerly Invitae), Labcorp
Classification: Pathogenic for Nance-Horan syndrome. Last evaluated: 2019-03-03. Review status: criteria provided, single submitter. Criteria: Invitae Variant Classification Sherloc (09022015). Collection method: clinical testing. Allele origin: germline.
Comment: For these reasons, this variant has been classified as Pathogenic. Loss-of-function variants in NHS are known to be pathogenic (PMID: 14564667, 19414485). This variant has not been reported in the literature in individuals with NHS-related conditions. The frequency data for this variant in the population databases is considered unreliable, as metrics indicate insufficient coverage at this position in the ExAC database. This sequence change creates a premature translational stop signal (p.Gln168*) in the NHS gene. It is expected to result in an absent or disrupted protein product.

Literature cited by the submitters: PubMed 14564667; PubMed 19414485.

NM_001291867.2(NHS):c.502C>T (p.Gln168Ter)

Gene: NHS (NHS actin remodeling regulator; plus strand). Cytogenetic location: Xp22.2.
Variant type: single nucleotide variant.
Coding change: c.502C>T on transcript NM_001291867.2 (MANE Select); coding-DNA position 502, C replaced by T.
Protein change: p.Gln168Ter; replaces glutamine 168 with a stop codon.
Molecular consequence: nonsense.
Genome position (GRCh38, 1-based): chrX:17,376,259, C>T. VCF-style: chrX-17376259-C-T. GRCh37 (hg19) VCF-style: chrX-17394382-C-T.
Other names: c.502C>T, p.Gln168Ter (NM_198270.4); short protein forms Q168*.
Identifiers: ClinVar variation 841852 (VCV000841852.8), dbSNP rs1484691355, ClinGen allele CA412484883.
Genomic context (GRCh38, chrX:17,376,259, plus strand): 5'-AGCCTCTTCCAGGAGCTCGAGAGCGACATCCAGCTCACCCACCGCCGCGTCTGGGCGCTG[C>T]AGGGCAAGCTCGGCGGCGTGCAGCGCGTCCTCAGCACGCTTGACCCTAAGCAGGAGGCAG-3'